The following is an entry in ClinVar:

ClinVar aggregate classification (germline): Uncertain significance (1 of 4 stars; one submission).

Conditions:
Inborn genetic diseases. Identifiers: MedGen C0950123, MeSH D030342.

Allele frequency attached by ClinVar (database versions not stated): gnomAD exomes below 0.00001.
gnomAD v4.1: 4 of 1,211,755 alleles (0.00033%); highest among the groups gnomAD compares: Middle Eastern, 0.046%; no homozygotes.

Submission:

Ambry Genetics
Classification: Uncertain significance for Inborn genetic diseases. Last evaluated: 2021-05-25. Review status: criteria provided, single submitter. Criteria: Ambry Variant Classification Scheme 2023. Collection method: clinical testing. Allele origin: germline.
Comment: The c.4324A>G (p.T1442A) alteration is located in exon 36 (coding exon 33) of the HUWE1 gene. This alteration results from an A to G substitution at nucleotide position 4324, causing the threonine (T) at amino acid position 1442 to be replaced by an alanine (A). Based on data from the Genome Aggregation Database (gnomAD), the HUWE1 c.4324A>G alteration was not observed, with coverage at this position. This amino acid position is not well conserved in available vertebrate species. The p.T1442A alteration is predicted to be tolerated by in silico analysis. Based on insufficient or conflicting evidence, the clinical significance of this alteration remains unclear.

NM_031407.7(HUWE1):c.4324A>G (p.Thr1442Ala)

Gene: HUWE1 (HECT, UBA and WWE domain containing E3 ubiquitin protein ligase 1; minus strand). Cytogenetic location: Xp11.22.
Variant type: single nucleotide variant.
Coding change: c.4324A>G on transcript NM_031407.7 (MANE Select); coding-DNA position 4324, A replaced by G.
Protein change: p.Thr1442Ala; replaces threonine 1442 with alanine.
Molecular consequence: missense variant.
Genome position (GRCh38, 1-based): chrX:53,589,684, T>C on the plus strand (A>G on the coding strand, the complement: HUWE1 is on the minus strand). VCF-style: chrX-53589684-T-C. GRCh37 (hg19) VCF-style: chrX-53616644-T-C.
Other names: short protein forms T1442A.
Identifiers: ClinVar variation 2230972 (VCV002230972.2), dbSNP rs2525908321, ClinGen allele CA413176575.